The following is an entry in ClinVar:

ClinVar aggregate classification (germline): Likely benign (1 of 4 stars; one submission).

Allele frequency attached by ClinVar (database versions not stated): gnomAD exomes below 0.00001; gnomAD 0.00001.
gnomAD v4.1: 3 of 1,612,502 alleles (0.00019%); highest among the groups gnomAD compares: Middle Eastern, 0.017%; no homozygotes.

Submission:

CeGaT Center for Human Genetics Tuebingen
Classification: Likely benign. Last evaluated: 2022-11-01. Review status: criteria provided, single submitter. Criteria: CeGaT Center For Human Genetics Tuebingen Variant Classification Criteria Version 2. Collection method: clinical testing. Allele origin: germline. Affected: yes. Observed: 1 variant allele.
Comment: INF2: BP4, BP7

NM_022489.4(INF2):c.2751G>A (p.Arg917=)

Gene: INF2 (inverted formin 2; plus strand). Cytogenetic location: 14q32.33.
Variant type: single nucleotide variant.
Coding change: c.2751G>A on transcript NM_022489.4 (MANE Select); coding-DNA position 2751, G replaced by A.
Protein change: p.Arg917=; no amino-acid change (arginine 917 retained).
Molecular consequence: synonymous variant.
Genome position (GRCh38, 1-based): chr14:104,712,968, G>A. VCF-style: chr14-104712968-G-A. GRCh37 (hg19) VCF-style: chr14-105179305-G-A.
Other names: c.2751G>A, p.Arg917= (NM_001031714.4).
Identifiers: ClinVar variation 1879291 (VCV001879291.29), dbSNP rs1890121634, ClinGen allele CA488715964.